The following is an entry in ClinVar:

ClinVar aggregate classification (germline): Likely benign (1 of 4 stars; one submission).

gnomAD v4.1: 24 of 1,540,418 alleles (0.0016%); highest among the groups gnomAD compares: Middle Eastern, 0.018%; no homozygotes.

Submission:

Molecular Diagnostic Laboratory for Inherited Cardiovascular Disease, Montreal Heart Institute
Classification: Likely benign. Last evaluated: 2025-07-24. Review status: criteria provided, single submitter. Criteria: ACMG Guidelines, 2015. Collection method: clinical testing. Allele origin: germline. Affected: no.
Comment: BP7

NM_006663.4(PPP1R13L):c.1677C>T (p.Pro559=)

Gene: PPP1R13L (protein phosphatase 1 regulatory subunit 13 like; minus strand). Cytogenetic location: 19q13.32.
Variant type: single nucleotide variant.
Coding change: c.1677C>T on transcript NM_006663.4 (MANE Select); coding-DNA position 1677, C replaced by T.
Protein change: p.Pro559=; no amino-acid change (proline 559 retained).
Molecular consequence: synonymous variant.
Genome position (GRCh38, 1-based): chr19:45,392,018, G>A on the plus strand (C>T on the coding strand, the complement: PPP1R13L is on the minus strand). VCF-style: chr19-45392018-G-A. GRCh37 (hg19) VCF-style: chr19-45895276-G-A.
Other names: c.1677C>T, p.Pro559= (NM_001142502.2).
Identifiers: ClinVar variation 4076496 (VCV004076496.1), dbSNP rs772790679.
Genomic context (GRCh38, chr19:45,392,018, plus strand): 5'-GGGCCCTGCCCTGGCCTCAGATCCCTCAGTGATGGGGGACAGCTCTGGCTCCGGCCCCCC[G>A]GGCCCTGGCCCCCCATGACGATGGAAGAGGCGGCTGATGATCTGCTGGTACTGTTTCTTG-3'
Protein context (NP_006654.2, residues 549-569): RLFHRHGGPG[Pro559=]GGPEPELSPI